The following is an entry in ClinVar:

ClinVar aggregate classification (germline): Conflicting classifications of pathogenicity. Review status: criteria provided, conflicting classifications (1 of 4 stars). 2 submissions from 2 submitters: Uncertain significance (1); Likely benign (1). Last evaluated 2024-10-28.

Conditions:
Familial hypercholesterolemia. Also called: Familial hypercholesterolemias; Familial hypercholesterolaemia. Identifiers: MedGen C0020445, MONDO:0005439.
Hypercholesterolemia, autosomal dominant, 3 (FHCL3). Also called: Familial hypercholesterolemia 3; Familial Hypercholesterolemia, Autosomal Dominant, 3; PCSK9-Related Familial Hypercholesterolemia, Autosomal Dominant. Identifiers: MedGen C1863551, MONDO:0011369, OMIM 603776.

Submissions (2):

Labcorp Genetics (formerly Invitae), Labcorp
Classification: Likely benign for Hypercholesterolemia, autosomal dominant, 3. Last evaluated: 2024-10-28. Review status: criteria provided, single submitter. Criteria: Invitae Variant Classification Sherloc (09022015). Collection method: clinical testing. Allele origin: germline.

Color Diagnostics, LLC DBA Color Health
Classification: Uncertain significance for Familial hypercholesterolemia. Last evaluated: 2019-12-02. Review status: criteria provided, single submitter. Criteria: ACMG Guidelines, 2015. Collection method: clinical testing. Allele origin: germline.
Comment: This variant causes a T>A nucleotide substitution at the -12 position of intron 6 of the PCSK9 gene. Splice site prediction tools and conservation analysis are inconclusive regarding the impact of this variant on RNA splicing. To our knowledge, functional studies have not been performed for this variant. This variant has not been reported in individuals affected with familial hypercholesterolemia in the literature. This variant has not been identified in the general population by the Genome Aggregation Database (gnomAD). The available evidence is insufficient to determine the role of this variant in disease conclusively. Therefore, this variant is classified as a Variant of Uncertain Significance.

NM_174936.4(PCSK9):c.997-12T>A

Gene: PCSK9 (proprotein convertase subtilisin/kexin type 9; plus strand). Cytogenetic location: 1p32.3.
Variant type: single nucleotide variant.
Coding change: c.997-12T>A on transcript NM_174936.4 (MANE Select); 12 bases into the intron before coding-DNA position 997, T replaced by A.
Molecular consequence: intron variant.
Genome position (GRCh38, 1-based): chr1:55,057,319, T>A. VCF-style: chr1-55057319-T-A. GRCh37 (hg19) VCF-style: chr1-55522992-T-A.
Identifiers: ClinVar variation 923035 (VCV000923035.6), dbSNP rs1644722615, ClinGen allele CA1139656136.